The following is an entry in ClinVar:

NM_000719.7(CACNA1C):c.2656A>C (p.Asn886His)

Gene: CACNA1C (calcium voltage-gated channel subunit alpha1 C; plus strand). Cytogenetic location: 12p13.33.
Variant type: single nucleotide variant.
Coding change: c.2656A>C on transcript NM_000719.7 (MANE Select); coding-DNA position 2656, A replaced by C.
Protein change: p.Asn886His; replaces asparagine 886 with histidine.
Molecular consequence: missense variant.
Genome position (GRCh38, 1-based): chr12:2,593,338, A>C. VCF-style: chr12-2593338-A-C. GRCh37 (hg19) VCF-style: chr12-2702504-A-C.
Other names: c.2656A>C, p.Asn886His (NM_001129827.2, NM_001129829.2, NM_001129830.3 and 18 more transcripts); c.2647A>C, p.Asn883His (NM_001129844.2); short protein forms N883H, N886H.
Identifiers: ClinVar variation 4856288 (VCV004856288.1).

ClinVar aggregate classification (germline): Uncertain significance (1 of 4 stars; one submission).

Conditions:
Neurodevelopmental disorder with hypotonia, language delay, and skeletal defects with or without seizures (NEDHLSS). Identifiers: MedGen C5774213, MONDO:0859286, OMIM 620029.

Submission:

3billion
Classification: Uncertain significance for Neurodevelopmental disorder with hypotonia, language delay, and skeletal defects with or without seizures. Last evaluated: 2025-11-24. Review status: criteria provided, single submitter. Criteria: ACMG Guidelines, 2015. Collection method: clinical testing. Allele origin: germline. Affected: yes.
Comment: The variant is not observed in the gnomAD v4.1.0 dataset. Predicted Consequence/Location: Missense variant. Missense changes are a common disease-causing mechanism. Damaging effect on gene or gene product predicted by in silico programs is uncertain [REVEL: 0.44 (damaging >=0.6, benign <0.4), 3Cnet: 0.02 (damaging >0.75, benign <0.1)]. Therefore, this variant is classified as VUS according to the recommendation of ACMG/AMP guideline.